The following is an entry in ClinVar:

ClinVar aggregate classification (germline): Uncertain significance (1 of 4 stars; one submission).

Allele frequency attached by ClinVar (database versions not stated): gnomAD exomes below 0.00001.

Submission:

Ambry Genetics
Classification: Uncertain significance. Last evaluated: 2021-10-13. Review status: criteria provided, single submitter. Criteria: Ambry Variant Classification Scheme 2023. Collection method: clinical testing. Allele origin: germline.
Comment: The p.P171S variant (also known as c.511C>T), located in coding exon 1 of the EGLN2 gene, results from a C to T substitution at nucleotide position 511. The proline at codon 171 is replaced by serine, an amino acid with similar properties. This amino acid position is conserved. In addition, this alteration is predicted to be tolerated by in silico analysis. Since supporting evidence is limited at this time, the clinical significance of this alteration remains unclear.

NM_080732.4(EGLN2):c.511C>T (p.Pro171Ser)

Genes: EGLN2 (egl-9 family hypoxia inducible factor 2; plus strand), RAB4B-EGLN2 (RAB4B-EGLN2 readthrough (NMD candidate); plus strand). Cytogenetic location: 19q13.2.
Variant type: single nucleotide variant.
Coding change: c.511C>T on transcript NM_080732.4 (MANE Select); coding-DNA position 511, C replaced by T.
Protein change: p.Pro171Ser; replaces proline 171 with serine.
Molecular consequence: missense variant. On other transcripts: non-coding transcript variant (1).
Genome position (GRCh38, 1-based): chr19:40,801,083, C>T. VCF-style: chr19-40801083-C-T. GRCh37 (hg19) VCF-style: chr19-41306988-C-T.
Other names: c.511C>T, p.Pro171Ser (NM_053046.4); short protein forms P171S.
Identifiers: ClinVar variation 1745459 (VCV001745459.2), dbSNP rs898811701, ClinGen allele CA308487220.